The following is an entry in ClinVar:

NM_206933.4(USH2A):c.3045C>G (p.His1015Gln)

Genes: USH2A (usherin; minus strand), USH2A-AS1 (USH2A antisense RNA 1; plus strand). Cytogenetic location: 1q41.
Variant type: single nucleotide variant.
Coding change: c.3045C>G on transcript NM_206933.4 (MANE Select); coding-DNA position 3045, C replaced by G.
Protein change: p.His1015Gln; replaces histidine 1015 with glutamine.
Molecular consequence: missense variant.
Genome position (GRCh38, 1-based): chr1:216,217,499, G>C on the plus strand (C>G on the coding strand, the complement: USH2A is on the minus strand). VCF-style: chr1-216217499-G-C. GRCh37 (hg19) VCF-style: chr1-216390841-G-C.
Other names: c.3045C>G, p.His1015Gln (NM_007123.6); short protein forms H1015Q.
Identifiers: ClinVar variation 179958 (VCV000179958.55), dbSNP rs541918040, ClinGen allele CA185512.

ClinVar aggregate classification (germline): Conflicting classifications of pathogenicity. Review status: criteria provided, conflicting classifications (1 of 4 stars). 16 submissions from 14 submitters: Pathogenic (1); Uncertain significance (12). 3 of the submissions do not count toward it. Last evaluated 2026-07-10.

Conditions:
USH2A-related disorder. Also called: USH2A-related condition; USH2A-related disorders. Identifiers: MedGen CN239332.
Usher syndrome type 2A. Also called: USHER SYNDROME, TYPE IIA; RETINAL DISEASE IN USHER SYNDROME TYPE IIA, MODIFIER OF. Identifiers: Orphanet 231178, Orphanet 886, MedGen C1848634, MONDO:0010169, OMIM 276901.
Retinitis pigmentosa 39 (RP39). Identifiers: Orphanet 791, MedGen C3151138, MONDO:0013436, OMIM 613809.
Retinitis pigmentosa (RP). Identifiers: Orphanet 791, MedGen C0035334, MeSH D012174, MONDO:0019200, OMIM 268000. Inheritance: Autosomal dominant, autosomal recessive and X linked inheritance.

Allele frequency attached by ClinVar (database versions not stated): ExAC 0.00007; gnomAD 0.00007; gnomAD exomes 0.00009; TOPMed 0.00011.
gnomAD v4.1: 210 of 1,613,178 alleles (0.013%); highest among the groups gnomAD compares: Middle Eastern, 0.2%; no homozygotes.

Submissions (16):

PreventionGenetics, part of Exact Sciences
Classification: Uncertain significance for USH2A-related condition. Last evaluated: 2026-07-10. Review status: criteria provided, single submitter. Criteria: ACMG Guidelines, 2015. Collection method: clinical testing. Allele origin: germline.
Comment: The USH2A c.3045C>G variant is predicted to result in the amino acid substitution p.His1015Gln. This variant was reported in the compound heterozygous state in a patient with retinitis pigmentosa (supplementary data, Haer-Wigman et al. 2017. PubMed ID: 28224992). This variant was previously reported, along with a second variant in the same gene, in another individual with retinitis pigmentosa (Karali et al. 2019. PubMed ID: 31877679). This variant was also reported in large cohorts of individuals with retinal disease or hearing loss (supplementary data, Pierrache et al. 2016. PubMed ID: 26927203; Tlili et al. 2024. PubMed ID: 38844983; Bahena et al. 2022. PubMed ID: 34148116; supplementary data, Martin-Merida et al. 2019. PubMed ID: 30902645). This variant is reported in 0.015% of alleles in individuals of European (Non-Finnish) descent in gnomAD. At this time, the clinical significance of this variant is uncertain due to the absence of conclusive functional and genetic evidence.

Blueprint Genetics
Classification: Pathogenic for USH2A-related disorders. Last evaluated: 2024-09-16. Review status: criteria provided, single submitter. Criteria: ACMG Guidelines, 2015. Collection method: clinical testing. Allele origin: germline. Affected: yes. Observed: 5 variant alleles.

Labcorp Genetics (formerly Invitae), Labcorp
Classification: Uncertain significance. Last evaluated: 2024-07-04. Review status: criteria provided, single submitter. Criteria: Invitae Variant Classification Sherloc (09022015). Collection method: clinical testing. Allele origin: germline.
Comment: This sequence change replaces histidine, which is basic and polar, with glutamine, which is neutral and polar, at codon 1015 of the USH2A protein (p.His1015Gln). This variant is present in population databases (rs541918040, gnomAD 0.01%). This missense change has been observed in individuals with retinitis pigmentosa (PMID: 26927203, 31877679). ClinVar contains an entry for this variant (Variation ID: 179958). Advanced modeling of protein sequence and biophysical properties (such as structural, functional, and spatial information, amino acid conservation, physicochemical variation, residue mobility, and thermodynamic stability) performed at Invitae indicates that this missense variant is not expected to disrupt USH2A protein function with a negative predictive value of 95%. In summary, the available evidence is currently insufficient to determine the role of this variant in disease. Therefore, it has been classified as a Variant of Uncertain Significance.

Women's Health and Genetics/Laboratory Corporation of America, LabCorp
Classification: Uncertain significance. Last evaluated: 2024-05-07. Review status: criteria provided, single submitter. Criteria: LabCorp Variant Classification Summary - May 2015. Collection method: clinical testing. Allele origin: germline.
Comment: Variant summary: USH2A c.3045C>G (p.His1015Gln) results in a non-conservative amino acid change located in the Laminin-type EGF domain (IPR002049) of the encoded protein sequence. Three of five in-silico tools predict a damaging effect of the variant on protein function. The variant allele was found at a frequency of 8.8e-05 in 250370 control chromosomes. This frequency is not significantly higher than estimated for a pathogenic variant in USH2A causing Usher Syndrome (8.8e-05 vs 0.011), allowing no conclusion about variant significance. c.3045C>G has been reported in the literature as a non-informative genotype (second allele not specified and/or with conflicting interpretations of pathogenicity) in individuals with non-syndromic or sporadic forms of Retinitis Pigmentosa (example, Pierrache_2016, Karali_2019, Molina-Ramirez_2020, Bahena_2022) or as a compound heterozygous genotype with another pathogenic variant in at-least one case with Retinitis Pigmentosa (example, Haer-Wigman_2017). These data do not allow any conclusion about variant significance. At-least one of the cases ascertained above reported this variant as a heterozygous genotype inherited along with a homozygous co-occurring pathogenic variant(s) in the IDUA gene, supporting the diagnosis of MPS 1S or Scheie syndrome, that can have phenotypic overlap with hearing impairment and retinal degeneration (IDUA c.956C>T, p.Ala319Val). To our knowledge, no experimental evidence demonstrating an impact on protein function has been reported. The following publications have been ascertained in the context of this evaluation (PMID: 28224992, 26927203, 31877679, 32176120, 30902645, 34148116). ClinVar contains an entry for this variant (Variation ID: 179958). Based on the evidence outlined above, the variant was classified as uncertain significance.

CeGaT Center for Human Genetics Tuebingen
Classification: Uncertain significance. Last evaluated: 2023-09-01. Review status: criteria provided, single submitter. Criteria: CeGaT Center For Human Genetics Tuebingen Variant Classification Criteria Version 2. Collection method: clinical testing. Allele origin: germline. Affected: yes. Observed: 1 variant allele.
Comment: USH2A: PM2, BP4

ARUP Laboratories, Molecular Genetics and Genomics, ARUP Laboratories
Classification: Uncertain significance. Last evaluated: 2021-11-30. Review status: criteria provided, single submitter. Criteria: ARUP Molecular Germline Variant Investigation Process 2021. Collection method: clinical testing. Allele origin: germline.
Comment: The p.His1015Gln variant (rs541918040) has been previously observed once in a cohort of non-syndromic retinitis pigmentosa patients (Pierrache 2016); however, no specific clinical or segregation details were proved. It is listed in the Genome Aggregation Database (gnomAD) browser with an overall frequency of 0.009% (identified in 24 out of 276,088 chromosomes). The histidine at codon 1015 is weakly conserved considering 12 species (Alamut software v2.9), and computational analyses return mixed results regarding the effect of this variant on USH2A protein structure/function (SIFT: tolerated, PolyPhen2: benign, and Mutation Taster: disease causing). Taken together, based on the available information, the clinical significance of the p.His1015Gln variant cannot be determined with certainty.

Baylor Genetics
Classification: Uncertain significance for Retinitis pigmentosa 39. Last evaluated: 2021-11-09. Review status: criteria provided, single submitter. Criteria: ACMG Guidelines, 2015. Collection method: clinical testing. Allele origin: unknown.

GeneDx
Classification: Uncertain significance. Last evaluated: 2021-09-21. Review status: criteria provided, single submitter. Criteria: GeneDx Variant Classification Process June 2021. Collection method: clinical testing. Allele origin: germline. Affected: yes.
Comment: In silico analysis supports that this missense variant has a deleterious effect on protein structure/function; This variant is associated with the following publications: (PMID: 26927203, 31877679)

Genome-Nilou Lab
Classification: Uncertain significance for Usher syndrome type 2A. Last evaluated: 2021-07-22. Review status: criteria provided, single submitter. Criteria: ACMG Guidelines, 2015. Collection method: clinical testing. Allele origin: germline. Affected: no.

Genome-Nilou Lab
Classification: Uncertain significance for Retinitis pigmentosa 39. Last evaluated: 2021-07-22. Review status: criteria provided, single submitter. Criteria: ACMG Guidelines, 2015. Collection method: clinical testing. Allele origin: germline. Affected: no.

Illumina Laboratory Services, Illumina
Classification: Uncertain significance for Usher syndrome type 2A. Last evaluated: 2018-01-13. Review status: criteria provided, single submitter. Criteria: ICSL Variant Classification Criteria 13 December 2019. Collection method: clinical testing. Allele origin: germline.

Illumina Laboratory Services, Illumina
Classification: Uncertain significance for Retinitis pigmentosa. Last evaluated: 2018-01-13. Review status: criteria provided, single submitter. Criteria: ICSL Variant Classification Criteria 13 December 2019. Collection method: clinical testing. Allele origin: germline.

Laboratory for Molecular Medicine, Mass General Brigham Personalized Medicine
Classification: Uncertain significance. Last evaluated: 2014-09-04. Review status: criteria provided, single submitter. Criteria: LMM Criteria. Collection method: clinical testing. Allele origin: germline. Observed: 1 variant allele.
Comment: The His1015Gln variant in USH2A has not been previously reported in individuals with hearing loss and was absent from large population studies. Computational pr ediction tools and conservation analyses do not provide strong support for or ag ainst an impact to the protein. In summary, the clinical significance of the His 1015Gln variant is uncertain.

Natera, Inc.
Classification: Uncertain significance for Usher syndrome type 2A. Last evaluated: 2020-09-16. Review status: no assertion criteria provided. Collection method: clinical testing. Allele origin: germline. Not counted in ClinVar's aggregate classification.

Counsyl
Classification: Uncertain significance for Usher syndrome type 2A; Retinitis pigmentosa 39. Last evaluated: 2017-06-26. Review status: no assertion criteria provided. Collection method: clinical testing. Allele origin: unknown. Not counted in ClinVar's aggregate classification.

Joint Genome Diagnostic Labs from Nijmegen and Maastricht, Radboudumc and MUMC+
Classification: Uncertain significance for Retinitis pigmentosa 39. Last evaluated: 2016-09-01. Review status: no assertion criteria provided. Collection method: clinical testing. Allele origin: inherited. Affected: yes. Observed: 1 variant allele. Not counted in ClinVar's aggregate classification.

Literature cited by the submitters: PubMed 26927203 (cited by 3 submitters); PubMed 31877679 (cited by Labcorp Genetics (formerly Invitae), Labcorp and Women's Health and Genetics/Laboratory Corporation of America, LabCorp); PubMed 28224992 (cited by Women's Health and Genetics/Laboratory Corporation of America, LabCorp); PubMed 32176120 (cited by Women's Health and Genetics/Laboratory Corporation of America, LabCorp); PubMed 30902645 (cited by Women's Health and Genetics/Laboratory Corporation of America, LabCorp); PubMed 34148116 (cited by Women's Health and Genetics/Laboratory Corporation of America, LabCorp).